The following is an entry in ClinVar:

NM_001084.5(PLOD3):c.1585G>A (p.Asp529Asn)

Gene: PLOD3 (procollagen-lysine,2-oxoglutarate 5-dioxygenase 3; minus strand). Cytogenetic location: 7q22.1.
Variant type: single nucleotide variant.
Coding change: c.1585G>A on transcript NM_001084.5 (MANE Select); coding-DNA position 1585, G replaced by A.
Protein change: p.Asp529Asn; replaces aspartic acid 529 with asparagine.
Molecular consequence: missense variant.
Genome position (GRCh38, 1-based): chr7:101,210,360, C>T on the plus strand (G>A on the coding strand, the complement: PLOD3 is on the minus strand). VCF-style: chr7-101210360-C-T. GRCh37 (hg19) VCF-style: chr7-100853641-C-T.
Other names: short protein forms D529N.
Identifiers: ClinVar variation 2197640 (VCV002197640.1), dbSNP rs766789252, ClinGen allele CA4407623.
Genomic context (GRCh38, chr7:101,210,360, plus strand): 5'-TGTGTGCTCTGGGCGTGGGGTCCCCACTCACGACGGGGTTGTCGAAGATCTGCCAGAGGT[C>T]GGGGTGCAGGTGCTCCGTGTCGTATCTGGAAGTGGCCAGGAGCCGGCCAAATTCATGCTG-3'
Protein context (NP_001075.1, residues 519-539): SRYDTEHLHP[Asp529Asn]LWQIFDNPVD

ClinVar aggregate classification (germline): Uncertain significance (1 of 4 stars; one submission).

Submission:

Labcorp Genetics (formerly Invitae), Labcorp
Classification: Uncertain significance. Last evaluated: 2022-07-23. Review status: criteria provided, single submitter. Criteria: Invitae Variant Classification Sherloc (09022015). Collection method: clinical testing. Allele origin: germline.
Comment: This sequence change replaces aspartic acid, which is acidic and polar, with asparagine, which is neutral and polar, at codon 529 of the PLOD3 protein (p.Asp529Asn). This variant is present in population databases (rs766789252, gnomAD 0.002%). This variant has not been reported in the literature in individuals affected with PLOD3-related conditions. Algorithms developed to predict the effect of missense changes on protein structure and function are either unavailable or do not agree on the potential impact of this missense change (SIFT: "Deleterious"; PolyPhen-2: "Benign"; Align-GVGD: "Class C0"). In summary, the available evidence is currently insufficient to determine the role of this variant in disease. Therefore, it has been classified as a Variant of Uncertain Significance.